The following is an entry in ClinVar:

ClinVar aggregate classification (germline): Uncertain significance. Review status: criteria provided, multiple submitters, no conflicts (2 of 4 stars). 7 submissions from 7 submitters: Uncertain significance (6). 1 of the submissions does not count toward it. Last evaluated 2026-06-25.

Conditions:
Cardiomyopathy (CMYO). Also called: Cardiomyopathies. Identifiers: Orphanet 167848, MedGen C0878544, MONDO:0004994, HP:0001638. Inheritance: Various modes of inheritance.
Becker muscular dystrophy (BMD). Also called: MUSCULAR DYSTROPHY, PSEUDOHYPERTROPHIC PROGRESSIVE, BECKER TYPE; Becker Muscular Dystrophy (BMD). Identifiers: Orphanet 98895, MedGen C0917713, MONDO:0010311, OMIM 300376.
Dystrophin deficiency.
Duchenne muscular dystrophy (DMD). Also called: Duchenne Muscular Dystrophy (DMD); MUSCULAR DYSTROPHY, PSEUDOHYPERTROPHIC PROGRESSIVE, DUCHENNE TYPE. Identifiers: Orphanet 98896, MedGen C0013264, MONDO:0010679, OMIM 310200.
Cardiovascular phenotype. Identifiers: MedGen CN230736.
Dilated cardiomyopathy 3B (CMD3B). Also called: CMD3B: DMD-Related Dilated Cardiomyopathy; CARDIOMYOPATHY, DILATED, X-LINKED; DMD-Associated Dilated Cardiomyopathy. Identifiers: Orphanet 154, MedGen C3668940, MONDO:0010542, OMIM 302045.

Allele frequency attached by ClinVar (database versions not stated): TOPMed below 0.00001; ExAC 0.00001; gnomAD 0.00001; gnomAD exomes 0.00001.
gnomAD v4.1: 13 of 1,209,697 alleles (0.0011%); highest among the groups gnomAD compares: East Asian, 0.003%; no homozygotes.

Submissions (7):

Ambry Genetics
Classification: Uncertain significance for Cardiovascular phenotype. Last evaluated: 2026-06-25. Review status: criteria provided, single submitter. Criteria: Ambry Variant Classification Scheme 2023. Collection method: clinical testing. Allele origin: germline.
Comment: The p.R550C variant (also known as c.1648C>T), located in coding exon 14 of the DMD gene, results from a C to T substitution at nucleotide position 1648. The arginine at codon 550 is replaced by cysteine, an amino acid with highly dissimilar properties. This amino acid position is highly conserved in available vertebrate species. In addition, this alteration is predicted to be deleterious by in silico analysis. Based on data from gnomAD, the T allele has an overall frequency of <0.01% (2/182463) total alleles studied, with 1 hemizygote(s) observed. The highest observed frequency was <0.01% (1/13836) of East Asian alleles. Based on the available evidence, the clinical significance of this variant remains unclear.

Labcorp Genetics (formerly Invitae), Labcorp
Classification: Uncertain significance for Duchenne muscular dystrophy. Last evaluated: 2025-10-02. Review status: criteria provided, single submitter. Criteria: Invitae Variant Classification Sherloc (09022015). Collection method: clinical testing. Allele origin: germline.
Comment: This sequence change replaces arginine, which is basic and polar, with cysteine, which is neutral and slightly polar, at codon 550 of the DMD protein (p.Arg550Cys). This variant is present in population databases (rs778354538, gnomAD 0.008%). This variant has not been reported in the literature in individuals affected with DMD-related conditions. ClinVar contains an entry for this variant (Variation ID: 964654). Invitae Evidence Modeling of protein sequence and biophysical properties (such as structural, functional, and spatial information, amino acid conservation, physicochemical variation, residue mobility, and thermodynamic stability) has been performed for this missense variant. However, the output from this modeling did not meet the statistical confidence thresholds required to predict the impact of this variant on DMD protein function. In summary, the available evidence is currently insufficient to determine the role of this variant in disease. Therefore, it has been classified as a Variant of Uncertain Significance.

Fulgent Genetics
Classification: Uncertain significance for Becker muscular dystrophy; Dilated cardiomyopathy 3B; Duchenne muscular dystrophy. Last evaluated: 2021-09-14. Review status: criteria provided, single submitter. Criteria: ACMG Guidelines, 2015. Collection method: clinical testing. Allele origin: unknown.

GeneDx
Classification: Uncertain significance. Last evaluated: 2020-11-11. Review status: criteria provided, single submitter. Criteria: GeneDx Variant Classification Process June 2021. Collection method: clinical testing. Allele origin: germline. Affected: yes.
Comment: Has not been previously published as pathogenic or benign to our knowledge; Reported in ClinVar as a variant of uncertain significance (ClinVar Variant ID# 964654; Landrum et al., 2016); In silico analysis supports that this missense variant has a deleterious effect on protein structure/function

Dr. med. U. Finckh, Human Genetics, Eurofins MVZ
Classification: Uncertain significance for Becker muscular dystrophy. Last evaluated: 2020-03-05. Review status: criteria provided, single submitter. Criteria: ACMG Guidelines, 2015. Collection method: clinical testing. Allele origin: unknown.

Juno Genomics, Hangzhou Juno Genomics, Inc
Classification: Uncertain significance for Becker muscular dystrophy; Dilated cardiomyopathy 3B; Duchenne muscular dystrophy. Review status: criteria provided, single submitter. Criteria: ACMG Guidelines, 2015. Collection method: clinical testing. Allele origin: germline.
Comment: Absent from controls (or at extremely low frequency if recessive) in Genome Aggregation Database.;Multiple lines of computational evidence support a deleterious effect on the gene or gene product.

Natera, Inc.
Classification: Uncertain significance for Becker muscular dystrophy; Cardiomyopathy; Duchenne muscular dystrophy; Dystrophin deficiency. Last evaluated: 2018-12-26. Review status: no assertion criteria provided. Collection method: clinical testing. Allele origin: germline. Not counted in ClinVar's aggregate classification.

NM_004006.3(DMD):c.1648C>T (p.Arg550Cys)

Gene: DMD (dystrophin; minus strand). Cytogenetic location: Xp21.1.
Variant type: single nucleotide variant.
Coding change: c.1648C>T on transcript NM_004006.3 (MANE Select); coding-DNA position 1648, C replaced by T.
Protein change: p.Arg550Cys; replaces arginine 550 with cysteine.
Molecular consequence: missense variant.
Genome position (GRCh38, 1-based): chrX:32,573,801, G>A on the plus strand (C>T on the coding strand, the complement: DMD is on the minus strand). VCF-style: chrX-32573801-G-A. GRCh37 (hg19) VCF-style: chrX-32591918-G-A.
Other names: c.1624C>T, p.Arg542Cys (NM_000109.4); c.1636C>T, p.Arg546Cys (NM_004009.3); c.1279C>T, p.Arg427Cys (NM_004010.3); short protein forms R427C, R550C, R542C, R546C.
Identifiers: ClinVar variation 964654 (VCV000964654.15), dbSNP rs778354538, ClinGen allele CA10379774.